The following is an entry in ClinVar:

NM_001114753.3(ENG):c.662T>G (p.Leu221Arg)

Gene: ENG (endoglin; minus strand). Cytogenetic location: 9q34.11.
Variant type: single nucleotide variant.
Coding change: c.662T>G on transcript NM_001114753.3 (MANE Select); coding-DNA position 662, T replaced by G.
Protein change: p.Leu221Arg; replaces leucine 221 with arginine.
Molecular consequence: missense variant.
Genome position (GRCh38, 1-based): chr9:127,825,722, A>C on the plus strand (T>G on the coding strand, the complement: ENG is on the minus strand). VCF-style: chr9-127825722-A-C. GRCh37 (hg19) VCF-style: chr9-130588001-A-C.
Other names: c.662T>G, p.Leu221Arg (NM_000118.4, NM_001406715.1); c.116T>G, p.Leu39Arg (NM_001278138.2); short protein forms L221R, L39R.
Identifiers: ClinVar variation 1404505 (VCV001404505.8), dbSNP rs1554810378, ClinGen allele CA374983527.

ClinVar aggregate classification (germline): Conflicting classifications of pathogenicity. Review status: criteria provided, conflicting classifications (1 of 4 stars). 2 submissions from 2 submitters: Pathogenic (1); Uncertain significance (1). Last evaluated 2021-08-28.

Conditions:
Hereditary hemorrhagic telangiectasia (HHT). Also called: ORW DISEASE; Osler Weber Rendu syndrome; OSLER-RENDU-WEBER DISEASE; Osler hemorrhagic telangiectasia syndrome. Identifiers: Orphanet 774, MedGen C0039445, MONDO:0019180. Disease mechanism: loss of function.
Telangiectasia, hereditary hemorrhagic, type 1 (HHT1). Also called: Osler Weber Rendu syndrome type 1; ENG-Related Hereditary Hemorrhagic Telangiectasia. Identifiers: Orphanet 774, MedGen C4551861, MONDO:0008535, OMIM 187300. Disease mechanism: loss of function.

Submissions (2):

Labcorp Genetics (formerly Invitae), Labcorp
Classification: Pathogenic for Hereditary hemorrhagic telangiectasia. Last evaluated: 2021-08-28. Review status: criteria provided, single submitter. Criteria: Invitae Variant Classification Sherloc (09022015). Collection method: clinical testing. Allele origin: germline.
Comment: For these reasons, this variant has been classified as Pathogenic. This variant disrupts the p.Leu221 amino acid residue in ENG. Other variant(s) that disrupt this residue have been determined to be pathogenic (PMID: 10749981, 15880681, 16690726, 17384219, 21158752, 22991266). This suggests that this residue is clinically significant, and that variants that disrupt this residue are likely to be disease-causing. Advanced modeling of protein sequence and biophysical properties (such as structural, functional, and spatial information, amino acid conservation, physicochemical variation, residue mobility, and thermodynamic stability) performed at Invitae indicates that this missense variant is expected to disrupt ENG protein function. This missense change has been observed in individual(s) with hereditary hemorrhagic telangiectasia (Invitae). This variant is not present in population databases (ExAC no frequency). This sequence change replaces leucine with arginine at codon 221 of the ENG protein (p.Leu221Arg). The leucine residue is weakly conserved and there is a moderate physicochemical difference between leucine and arginine.

Juno Genomics, Hangzhou Juno Genomics, Inc
Classification: Uncertain significance for Telangiectasia, hereditary hemorrhagic, type 1. Review status: criteria provided, single submitter. Criteria: ACMG Guidelines, 2015. Collection method: clinical testing. Allele origin: germline. Affected: yes.
Comment: Absent from controls (or at extremely low frequency if recessive) in Genome Aggregation Database, Exome Sequencing Project, 1000 Genomes Project, or Exome Aggregation Consortium.;Novel missense change at an amino acid residue where a different missense change determined to be pathogenic has been seen before.;Patient's phenotype or family history is highly specific for a disease with a single genetic etiology.

Literature cited by the submitters: PubMed 10749981 (cited by Labcorp Genetics (formerly Invitae), Labcorp); PubMed 15880681 (cited by Labcorp Genetics (formerly Invitae), Labcorp); PubMed 16690726 (cited by Labcorp Genetics (formerly Invitae), Labcorp); PubMed 17384219 (cited by Labcorp Genetics (formerly Invitae), Labcorp); PubMed 21158752 (cited by Labcorp Genetics (formerly Invitae), Labcorp); PubMed 22991266 (cited by Labcorp Genetics (formerly Invitae), Labcorp).